The following is an entry in ClinVar:

ClinVar aggregate classification (germline): Benign. Review status: criteria provided, multiple submitters, no conflicts (2 of 4 stars). 2 submissions from 2 submitters: Benign (2). Last evaluated 2018-06-19.

Allele frequency attached by ClinVar (database versions not stated): 1000 Genomes Project 0.07448; 1000 Genomes Project 30x 0.07667; gnomAD 0.11843 and 0.11962; TOPMed 0.11890.
gnomAD v4.1: 18,012 of 152,222 alleles (12%); highest among the groups gnomAD compares: Non-Finnish European, 18%; 1,377 homozygotes.

Submissions (2):

GeneDx
Classification: Benign. Last evaluated: 2018-06-19. Review status: criteria provided, single submitter. Criteria: GeneDx Variant Classification (06012015). Collection method: clinical testing. Allele origin: germline. Affected: yes.
Comment: This variant is considered likely benign or benign based on one or more of the following criteria: it is a conservative change, it occurs at a poorly conserved position in the protein, it is predicted to be benign by multiple in silico algorithms, and/or has population frequency not consistent with disease.

Breakthrough Genomics
Classification: Benign. Review status: criteria provided, single submitter. Criteria: ACMG Guidelines, 2015. Collection method: not provided. Allele origin: germline. Inheritance: Autosomal recessive inheritance. Affected: yes.

NM_001849.4(COL6A2):c.1459-168A>G

Gene: COL6A2 (collagen type VI alpha 2 chain; plus strand). Cytogenetic location: 21q22.3.
Variant type: single nucleotide variant.
Coding change: c.1459-168A>G on transcript NM_001849.4 (MANE Select); 168 bases into the intron before coding-DNA position 1459, A replaced by G.
Molecular consequence: intron variant.
Genome position (GRCh38, 1-based): chr21:46,121,388, A>G. VCF-style: chr21-46121388-A-G. GRCh37 (hg19) VCF-style: chr21-47541302-A-G.
Other names: c.1459-168A>G (NM_058175.3, NM_058174.3).
Identifiers: ClinVar variation 680228 (VCV000680228.2), dbSNP rs1076850, ClinGen allele CA14888071.